The following continues an entry in ClinVar:

NM_007294.4(BRCA1):c.4508C>A (p.Ser1503Ter)

Gene: BRCA1. ClinVar aggregate classification (germline): Pathogenic. Pathogenic (1).

Submissions 12 to 18 of 18:

BRCAlab, Lund University
Classification: Pathogenic for Breast-ovarian cancer, familial, susceptibility to, 1. Last evaluated: 2022-08-26. Review status: no assertion criteria provided. Collection method: clinical testing. Allele origin: germline. Affected: yes. Not counted in ClinVar's aggregate classification.

Counsyl
Classification: Pathogenic for Breast-ovarian cancer, familial, susceptibility to, 1. Last evaluated: 2017-07-26. Review status: no assertion criteria provided. Collection method: clinical testing. Allele origin: unknown. Not counted in ClinVar's aggregate classification.

Research Molecular Genetics Laboratory, Women's College Hospital, University of Toronto
Classification: Pathogenic for Hereditary breast ovarian cancer syndrome. Last evaluated: 2014-01-31. Review status: no assertion criteria provided. Collection method: research. Allele origin: germline. Affected: yes. Study: The Canadian Open Genetics Repository (COGR). Not counted in ClinVar's aggregate classification.

Breast Cancer Information Core (BIC) (BRCA1)
Classification: Pathogenic for Breast-ovarian cancer, familial 1. Last evaluated: 2004-02-20. Review status: no assertion criteria provided. Collection method: clinical testing. Allele origin: germline. Affected: yes. Observed: 1 variant allele. Not counted in ClinVar's aggregate classification.

Department of Pathology and Laboratory Medicine, Sinai Health System
Classification: Pathogenic for Malignant tumor of breast. Review status: no assertion criteria provided. Collection method: clinical testing. Allele origin: unknown. Affected: yes. Study: The Canadian Open Genetics Repository (COGR). Not counted in ClinVar's aggregate classification.
Comment: The BRCA1 p.Ser1503* variant was identified in 7 of 884 proband chromosomes (frequency: 0.008) from Pakistani individuals or families with breast or ovarian cancer and was not identified in 400 control chromosomes from healthy individuals (Farooq 2010, Rashid 2006, Liede 2002). The variant was also identified in dbSNP (ID: rs80357437) as "With Pathogenic allele", ClinVar (classified as pathogenic by Ambry Genetics, GeneDx, Counsil and seven other submitters), and in LOVD 3.0 (9X as pathogenic). The variant was not identified in UMD-LSDB, database. The variant was identified in control databases in 2 of 246080 chromosomes at a frequency of 0.000008 (Genome Aggregation Database Feb 27, 2017). The variant was observed in the and South Asian in 2 of 30780 chromosomes (freq: 0.00007), while the variant was not observed in the African, Other, Latino, European, Ashkenazi Jewish, East Asian, or Finnish populations. The c.4508C>A variant is predicted to lead to a premature stop codon at amino acid position 1503, which is predicted to lead to a truncated or absent BRCA1 protein and loss of function. Loss of function variants of the BRCA1 gene are an established mechanism of disease in hereditary breast and ovarian cancer and is the type of variant expected to cause the disorder. In summary, based on the above information this variant meets our laboratoryâ€šÃ„Ã´s criteria to be classified as pathogenic.

Diagnostic Laboratory, Department of Genetics, University Medical Center Groningen
Classification: Pathogenic for Breast-ovarian cancer, familial, susceptibility to, 1. Review status: no assertion criteria provided. Collection method: clinical testing. Allele origin: germline. Affected: yes. Study: VKGL Data-share Consensus. Not counted in ClinVar's aggregate classification.

Joint Genome Diagnostic Labs from Nijmegen and Maastricht, Radboudumc and MUMC+
Classification: Pathogenic. Review status: no assertion criteria provided. Collection method: clinical testing. Allele origin: germline. Affected: yes. Study: VKGL Data-share Consensus. Not counted in ClinVar's aggregate classification.

Literature cited by the submitters: PubMed 20104584 (cited by Labcorp Genetics (formerly Invitae), Labcorp); PubMed 12181777 (cited by 5 submitters); PubMed 16683254 (cited by 4 submitters); PubMed 16998791 (cited by 5 submitters); PubMed 27553291 (cited by Labcorp Genetics (formerly Invitae), Labcorp and Color Diagnostics, LLC DBA Color Health); PubMed 28724667 (cited by 3 submitters); PubMed 16267036 (cited by Color Diagnostics, LLC DBA Color Health and Women's Health and Genetics/Laboratory Corporation of America, LabCorp); PubMed 17591843 (cited by Color Diagnostics, LLC DBA Color Health); PubMed 31528241 (cited by Color Diagnostics, LLC DBA Color Health); PubMed 21702907 (cited by Women's Health and Genetics/Laboratory Corporation of America, LabCorp).